The following is an entry in ClinVar:

NM_000022.4(ADA):c.283G>A (p.Val95Met)

Gene: ADA (adenosine deaminase; minus strand). Cytogenetic location: 20q13.12.
Variant type: single nucleotide variant.
Coding change: c.283G>A on transcript NM_000022.4 (MANE Select); coding-DNA position 283, G replaced by A.
Protein change: p.Val95Met; replaces valine 95 with methionine.
Molecular consequence: missense variant. On other transcripts: 5 prime UTR variant (1), non-coding transcript variant (1).
Genome position (GRCh38, 1-based): chr20:44,626,535, C>T on the plus strand (G>A on the coding strand, the complement: ADA is on the minus strand). VCF-style: chr20-44626535-C-T. GRCh37 (hg19) VCF-style: chr20-43255176-C-T.
Other names: c.-7G>A (NM_001322050.2); c.283G>A, p.Val95Met (NM_001322051.2); short protein forms V95M.
Identifiers: ClinVar variation 969758 (VCV000969758.8), dbSNP rs145963969, ClinGen allele CA9871716.
Genomic context (GRCh38, chr20:44,626,535, plus strand): 5'-TTGGCTCCACTTTGGAGTTGGCCAGCAGGTGCGGACTGTACCGCACCTCCACATACACCA[C>T]GCCCTCTTTGGCCTTCATCTCTACAAACTCATAGGCGATCCTTTTGATAGCCTCCCGGCA-3'
Protein context (NP_000013.2, residues 85-105): EFVEMKAKEG[Val95Met]VYVEVRYSPH

ClinVar aggregate classification (germline): Uncertain significance. Review status: criteria provided, multiple submitters, no conflicts (2 of 4 stars). 3 submissions from 3 submitters: Uncertain significance (2). 1 of the submissions does not count toward it. Last evaluated 2024-01-21.

Conditions:
Severe combined immunodeficiency, autosomal recessive, T cell-negative, B cell-negative, NK cell-negative, due to adenosine deaminase deficiency. Also called: ADA-SCID; ADA deficiency; Adenosine deaminase deficient severe combined immunodeficiency; Severe combined immunodeficiency due to ADA deficiency; Adenosine Deaminase Deficiency; SCID DUE TO ADA DEFICIENCY. Identifiers: Orphanet 277, MedGen C0392607, MONDO:0007064, OMIM 102700.

Allele frequency attached by ClinVar (database versions not stated): ExAC 0.00001; gnomAD exomes 0.00001; gnomAD 0.00002; TOPMed 0.00002; ESP Exome Variant Server 0.00008.
gnomAD v4.1: 13 of 1,614,088 alleles (0.00081%); highest among the groups gnomAD compares: Admixed American, 0.0033%; no homozygotes.

Submissions (3):

Labcorp Genetics (formerly Invitae), Labcorp
Classification: Uncertain significance for Severe combined immunodeficiency, autosomal recessive, T cell-negative, B cell-negative, NK cell-negative, due to adenosine deaminase deficiency. Last evaluated: 2024-01-21. Review status: criteria provided, single submitter. Criteria: Invitae Variant Classification Sherloc (09022015). Collection method: clinical testing. Allele origin: germline.
Comment: This sequence change replaces valine, which is neutral and non-polar, with methionine, which is neutral and non-polar, at codon 95 of the ADA protein (p.Val95Met). This variant is present in population databases (rs145963969, gnomAD 0.004%). This variant has not been reported in the literature in individuals affected with ADA-related conditions. ClinVar contains an entry for this variant (Variation ID: 969758). Advanced modeling of protein sequence and biophysical properties (such as structural, functional, and spatial information, amino acid conservation, physicochemical variation, residue mobility, and thermodynamic stability) has been performed at Invitae for this missense variant, however the output from this modeling did not meet the statistical confidence thresholds required to predict the impact of this variant on ADA protein function. In summary, the available evidence is currently insufficient to determine the role of this variant in disease. Therefore, it has been classified as a Variant of Uncertain Significance.

Blueprint Genetics
Classification: Uncertain significance. Last evaluated: 2022-04-06. Review status: criteria provided, single submitter. Criteria: ACMG Guidelines, 2015. Collection method: clinical testing. Allele origin: germline.

Natera, Inc.
Classification: Uncertain significance for Severe combined immunodeficiency due to ADA deficiency. Last evaluated: 2020-01-31. Review status: no assertion criteria provided. Collection method: clinical testing. Allele origin: germline. Not counted in ClinVar's aggregate classification.